The following is an entry in ClinVar:

ClinVar aggregate classification (germline): Uncertain significance (1 of 4 stars; one submission).

Conditions:
Infantile spasms. Also called: Infantile spasm. Identifiers: MedGen C3887898, HP:0012469.

gnomAD v4.1: 2 of 1,611,416 alleles (0.00012%); highest among the groups gnomAD compares: African/African-American, 0.0027%; no homozygotes.

Submission:

Labcorp Genetics (formerly Invitae), Labcorp
Classification: Uncertain significance for Infantile spasms. Last evaluated: 2025-01-15. Review status: criteria provided, single submitter. Criteria: Invitae Variant Classification Sherloc (09022015). Collection method: clinical testing. Allele origin: germline.
Comment: This sequence change falls in intron 11 of the PIK3AP1 gene. It does not directly change the encoded amino acid sequence of the PIK3AP1 protein. It affects a nucleotide within the consensus splice site. This variant is present in population databases (rs745976470, gnomAD 0.007%). This variant has not been reported in the literature in individuals affected with PIK3AP1-related conditions. Variants that disrupt the consensus splice site are a relatively common cause of aberrant splicing (PMID: 17576681, 9536098). Algorithms developed to predict the effect of sequence changes on RNA splicing suggest that this variant is not likely to affect RNA splicing. In summary, the available evidence is currently insufficient to determine the role of this variant in disease. Therefore, it has been classified as a Variant of Uncertain Significance.

Literature cited by the submitters: PubMed 17576681; PubMed 9536098.

NM_152309.3(PIK3AP1):c.1736-3C>T

Gene: PIK3AP1 (phosphoinositide-3-kinase adaptor protein 1; minus strand). Cytogenetic location: 10q24.1.
Variant type: single nucleotide variant.
Coding change: c.1736-3C>T on transcript NM_152309.3 (MANE Select); 3 bases into the intron before coding-DNA position 1736, C replaced by T.
Molecular consequence: intron variant.
Genome position (GRCh38, 1-based): chr10:96,620,560, G>A on the plus strand (C>T on the coding strand, the complement: PIK3AP1 is on the minus strand). VCF-style: chr10-96620560-G-A. GRCh37 (hg19) VCF-style: chr10-98380317-G-A.
Identifiers: ClinVar variation 3709637 (VCV003709637.2).